The following is an entry in ClinVar:

ClinVar aggregate classification (germline): Pathogenic (1 of 4 stars; one submission).

Submission:

Labcorp Genetics (formerly Invitae), Labcorp
Classification: Pathogenic. Last evaluated: 2025-11-11. Review status: criteria provided, single submitter. Criteria: Invitae Variant Classification Sherloc (09022015). Collection method: clinical testing. Allele origin: germline.
Comment: This sequence change creates a premature translational stop signal (p.Tyr1003*) in the POLE gene. It is expected to result in an absent or disrupted protein product. Loss-of-function variants in POLE are known to be pathogenic (PMID: 23230001, 25948378, 30503519). This variant is not present in population databases (gnomAD no frequency). This variant has not been reported in the literature in individuals affected with POLE-related conditions. For these reasons, this variant has been classified as Pathogenic.

Literature cited by the submitters: PubMed 23230001; PubMed 25948378; PubMed 30503519.

NM_006231.4(POLE):c.3009T>A (p.Tyr1003Ter)

Gene: POLE (DNA polymerase epsilon, catalytic subunit; minus strand). Cytogenetic location: 12q24.33.
Variant type: single nucleotide variant.
Coding change: c.3009T>A on transcript NM_006231.4 (MANE Select); coding-DNA position 3009, T replaced by A.
Protein change: p.Tyr1003Ter; replaces tyrosine 1003 with a stop codon.
Molecular consequence: nonsense.
Genome position (GRCh38, 1-based): chr12:132,661,020, A>T on the plus strand (T>A on the coding strand, the complement: POLE is on the minus strand). VCF-style: chr12-132661020-A-T. GRCh37 (hg19) VCF-style: chr12-133237606-A-T.
Other names: short protein forms Y1003*.
Identifiers: ClinVar variation 4731048 (VCV004731048.1).